The following is an entry in ClinVar:

ClinVar aggregate classification (germline): Likely pathogenic (1 of 4 stars; one submission).

Conditions:
Cardiovascular phenotype. Identifiers: MedGen CN230736.

Submission:

Ambry Genetics
Classification: Likely pathogenic for Cardiovascular phenotype. Last evaluated: 2020-09-25. Review status: criteria provided, single submitter. Criteria: Ambry Variant Classification Scheme 2023. Collection method: clinical testing. Allele origin: germline.
Comment: The c.4255_4268dup14 variant, located in coding exon 6 of the ALPK3 gene, results from a duplication of CAGGGCAGAAAGGC at nucleotide position 4255, causing a translational frameshift with a predicted alternate stop codon (p.S1424Rfs*55). This alteration is expected to result in loss of function by premature protein truncation or nonsense-mediated mRNA decay. Based on the majority of available evidence to date, this variant is likely to be pathogenic.

NM_020778.5(ALPK3):c.3649_3662dup (p.Ser1222fs)

Gene: ALPK3 (alpha kinase 3; plus strand). Cytogenetic location: 15q25.3.
Variant type: Duplication.
Coding change: c.3649_3662dup on transcript NM_020778.5 (MANE Select); coding-DNA positions 3649 to 3662, 14 bases duplicated (CAGGGCAGAAAGGC).
Protein change: p.Ser1222fs; shifts the reading frame from serine 1222.
Molecular consequence: frameshift variant.
Genome position (GRCh38, 1-based): chr15:84,858,387-84,858,400, CAGGGCAGAAAGGC duplicated. VCF-style (leftmost placement, unchanged base first): chr15-84858386-G-GCAGGGCAGAAAGGC. GRCh37 (hg19) VCF-style: chr15-85401617-G-GCAGGGCAGAAAGGC.
Other names: short protein forms S1222fs.
Identifiers: ClinVar variation 1739114 (VCV001739114.2), dbSNP rs2505722576, ClinGen allele CA2580090132.